The following is an entry in ClinVar:

ClinVar aggregate classification (germline): Uncertain significance (1 of 4 stars; one submission).

Submission:

GeneDx
Classification: Uncertain significance. Last evaluated: 2024-08-27. Review status: criteria provided, single submitter. Criteria: GeneDx Variant Classification Process June 2021. Collection method: clinical testing. Allele origin: germline. Affected: yes.
Comment: Not observed at significant frequency in large population cohorts (gnomAD); In silico analysis indicates that this missense variant does not alter protein structure/function; Has not been previously published as pathogenic or benign to our knowledge

NM_001365276.2(TNXB):c.2551G>A (p.Val851Met)

Gene: TNXB (tenascin XB; minus strand). Cytogenetic location: 6p21.33.
Variant type: single nucleotide variant.
Coding change: c.2551G>A on transcript NM_001365276.2 (MANE Select); coding-DNA position 2551, G replaced by A.
Protein change: p.Val851Met; replaces valine 851 with methionine.
Molecular consequence: missense variant.
Genome position (GRCh38, 1-based): chr6:32,089,013, C>T on the plus strand (G>A on the coding strand, the complement: TNXB is on the minus strand). VCF-style: chr6-32089013-C-T. GRCh37 (hg19) VCF-style: chr6-32056790-C-T.
Other names: c.2551G>A, p.Val851Met (NM_001428335.1, NM_019105.8); short protein forms V851M.
Identifiers: ClinVar variation 3765907 (VCV003765907.1).